The following is an entry in ClinVar:

ClinVar aggregate classification (germline): Benign/Likely benign. Review status: criteria provided, multiple submitters, no conflicts (2 of 4 stars). 2 submissions from 2 submitters: Benign (1); Likely benign (1). Last evaluated 2026-02-03.

Conditions:
Microcephaly, normal intelligence and immunodeficiency (NBS). Also called: BERLIN BREAKAGE SYNDROME; SEEMANOVA SYNDROME II; Immunodeficiency, microcephaly with normal intelligence; Nijmegen breakage syndrome; Microcephaly with normal intelligence immunodeficiency and lymphoreticular malignancies; Nonsyndromal microcephaly autosomal recessive with normal intelligence. Identifiers: Orphanet 647, MedGen C0398791, MONDO:0009623, OMIM 251260.

Submissions (2):

Labcorp Genetics (formerly Invitae), Labcorp
Classification: Benign for Microcephaly, normal intelligence and immunodeficiency. Last evaluated: 2026-02-03. Review status: criteria provided, single submitter. Criteria: Invitae Variant Classification Sherloc (09022015). Collection method: clinical testing. Allele origin: germline.

GeneDx
Classification: Likely benign. Last evaluated: 2017-07-19. Review status: criteria provided, single submitter. Criteria: GeneDx Variant Classification (06012015). Collection method: clinical testing. Allele origin: germline. Affected: yes.
Comment: This variant is considered likely benign or benign based on one or more of the following criteria: it is a conservative change, it occurs at a poorly conserved position in the protein, it is predicted to be benign by multiple in silico algorithms, and/or has population frequency not consistent with disease.

NM_002485.5(NBN):c.38-20dup

Gene: NBN (nibrin; minus strand). Cytogenetic location: 8q21.3.
Variant type: Duplication.
Coding change: c.38-20dup on transcript NM_002485.5 (MANE Select); 20 bases into the intron before coding-DNA position 38, one base duplicated (T; older notation c.38-20dupT).
Molecular consequence: intron variant.
Genome position (GRCh38, 1-based): chr8:89,982,875, A duplicated on the plus strand (T on the coding strand, the reverse complement: NBN is on the minus strand); the first of 7 consecutive A bases (chr8:89,982,875-89,982,881); duplicating any one gives the same sequence. VCF-style (leftmost placement, unchanged base first): chr8-89982874-T-TA. GRCh37 (hg19) VCF-style: chr8-90995102-T-TA.
Other names: c.38-20dupT (NM_002485.4); c.-259-20dup (NM_001024688.3).
Identifiers: ClinVar variation 422261 (VCV000422261.10), dbSNP rs757737980, ClinGen allele CA4803075.